The following is an entry in ClinVar:

ClinVar aggregate classification (germline): Conflicting classifications of pathogenicity. Review status: criteria provided, conflicting classifications (1 of 4 stars). 3 submissions from 3 submitters: Likely pathogenic (1); Uncertain significance (2). Last evaluated 2024-03-29.

Conditions:
Autosomal recessive limb-girdle muscular dystrophy type 2N. Also called: MUSCULAR DYSTROPHY-DYSTROGLYCANOPATHY, LIMB-GIRDLE, POMT2-RELATED; Muscular dystrophy-dystroglycanopathy (limb-girdle), type C, 2. Identifiers: Orphanet 206559, MedGen C3150418, MONDO:0013162, OMIM 613158.

Allele frequency attached by ClinVar (database versions not stated): TOPMed below 0.00001; gnomAD 0.00003.

Submissions (3):

GeneDx
Classification: Likely pathogenic. Last evaluated: 2024-03-29. Review status: criteria provided, single submitter. Criteria: GeneDx Variant Classification Process June 2021. Collection method: clinical testing. Allele origin: germline. Affected: yes.
Comment: In silico analysis supports that this missense variant has a deleterious effect on protein structure/function; Not observed at significant frequency in large population cohorts (gnomAD); This variant is associated with the following publications: (PMID: 36048137)

Mayo Clinic Laboratories, Mayo Clinic
Classification: Uncertain significance. Last evaluated: 2021-06-09. Review status: criteria provided, single submitter. Criteria: ACMG Guidelines, 2015. Collection method: clinical testing. Allele origin: germline.

Illumina Laboratory Services, Illumina
Classification: Uncertain significance for Autosomal recessive limb-girdle muscular dystrophy type 2N. Last evaluated: 2018-01-13. Review status: criteria provided, single submitter. Criteria: ICSL Variant Classification Criteria 13 December 2019. Collection method: clinical testing. Allele origin: germline.

NM_013382.7(POMT2):c.553G>A (p.Gly185Arg)

Gene: POMT2 (protein O-mannosyltransferase 2; minus strand). Cytogenetic location: 14q24.3.
Variant type: single nucleotide variant.
Coding change: c.553G>A on transcript NM_013382.7 (MANE Select); coding-DNA position 553, G replaced by A.
Protein change: p.Gly185Arg; replaces glycine 185 with arginine.
Molecular consequence: missense variant.
Genome position (GRCh38, 1-based): chr14:77,302,938, C>T on the plus strand (G>A on the coding strand, the complement: POMT2 is on the minus strand). VCF-style: chr14-77302938-C-T. GRCh37 (hg19) VCF-style: chr14-77769281-C-T.
Other names: p.Gly185Arg; short protein forms G185R.
Identifiers: ClinVar variation 314562 (VCV000314562.10), dbSNP rs886050826, ClinGen allele CA10641113.
Genomic context (GRCh38, chr14:77,302,938, plus strand): 5'-CCATGATGAAGAACATCAGGATGGGGTCAAGGAGGATGTACTGGGACAGAGTGAGGCATC[C>T]CGTGTCTGAAAAACATGAGCTCGCTGGTGAAAAAGCGAGGTAAGAGAAGGGCCCCCTGAA-3'
Protein context (NP_037514.2, residues 175-195): LTAALLTFDT[Gly185Arg]CLTLSQYILL